The following is an entry in ClinVar:

NM_006892.4(DNMT3B):c.-6-168G>A

Gene: DNMT3B (DNA methyltransferase 3 beta; plus strand). Cytogenetic location: 20q11.21.
Variant type: single nucleotide variant.
Coding change: c.-6-168G>A on transcript NM_006892.4 (MANE Select); 168 bases into the intron before 6 bases upstream of the start codon, G replaced by A.
Molecular consequence: intron variant.
Genome position (GRCh38, 1-based): chr20:32,780,150, G>A. VCF-style: chr20-32780150-G-A. GRCh37 (hg19) VCF-style: chr20-31367956-G-A.
Other names: c.-6-168G>A (NM_001424351.1, NM_001424355.1, NM_175848.2 and 9 more transcripts); c.30+5G>A (NM_175850.3, NM_001424359.1, NM_001424360.1).
Identifiers: ClinVar variation 3345204 (VCV003345204.1).
Genomic context (GRCh38, chr20:32,780,150, plus strand): 5'-CTGAGCCTTCGGGACAGCCTGTCCACATGGAACCAAGTCCTGAGCCTCCAAGCTTGGTGA[G>A]GGGGAGGCTATGGGGGGCAGCCTGGGTGGGGTACTTGGGCAAGAGCATCACCCTAAGAAT-3'

ClinVar aggregate classification (germline): Uncertain significance (0 of 4 stars; one submission).

Conditions:
DNMT3B-related disorder. Also called: DNMT3B-related condition.

Submission:

PreventionGenetics, part of Exact Sciences
Classification: Uncertain significance for DNMT3B-related condition. Last evaluated: 2024-09-03. Review status: no assertion criteria provided. Collection method: clinical testing. Allele origin: germline.
Comment: The DNMT3B c.30+5G>A variant is predicted to interfere with splicing. To our knowledge, this variant has not been reported in the literature or in a large population database, indicating this variant is rare. At this time, the clinical significance of this variant is uncertain due to the absence of conclusive functional and genetic evidence.